The following is an entry in ClinVar:

NM_000051.4(ATM):c.4871A>G (p.His1624Arg)

Gene: ATM (ATM serine/threonine kinase; plus strand). Cytogenetic location: 11q22.3.
Variant type: single nucleotide variant.
Coding change: c.4871A>G on transcript NM_000051.4 (MANE Select); coding-DNA position 4871, A replaced by G.
Protein change: p.His1624Arg; replaces histidine 1624 with arginine.
Molecular consequence: missense variant.
Genome position (GRCh38, 1-based): chr11:108,295,021, A>G. VCF-style: chr11-108295021-A-G. GRCh37 (hg19) VCF-style: chr11-108165748-A-G.
Other names: p.H1624R:CAT>CGT; p.His1624Arg; c.4871A>G, p.His1624Arg (NM_001351834.2); short protein forms H1624R.
Identifiers: ClinVar variation 135757 (VCV000135757.39), dbSNP rs56354559, ClinGen allele CA294028.

ClinVar aggregate classification (germline): Conflicting classifications of pathogenicity. Review status: criteria provided, conflicting classifications (1 of 4 stars). 12 submissions from 12 submitters: Uncertain significance (5); Likely benign (5). 2 of the submissions do not count toward it. Last evaluated 2026-05-21.

Conditions:
ATM-related disorder. Also called: ATM-related disorders; ATM-related condition.
Hereditary cancer-predisposing syndrome. Also called: Neoplastic Syndromes, Hereditary; Tumor predisposition; Hereditary neoplastic syndrome; Hereditary Cancer Syndrome. Identifiers: Orphanet 140162, MedGen C0027672, MeSH D009386, MONDO:0015356.
Breast-ovarian cancer, familial, susceptibility to, 2 (BROVCA2). Also called: BRCA2 Hereditary Breast and Ovarian Cancer. Identifiers: Orphanet 145, MedGen C2675520, MONDO:0012933, OMIM 612555. Disease mechanism: loss of function.
Familial cancer of breast. Also called: BREAST CANCER, FAMILIAL; hereditary breast carcinoma; Hereditary breast cancer. Identifiers: Orphanet 227535, MedGen C0346153, MONDO:0016419, OMIM 114480. Disease mechanism: loss of function.
Ataxia-telangiectasia syndrome (AT). Also called: Ataxia telangiectasia (A-T); LOUIS-BAR SYNDROME; Cerebello-oculocutaneous telangiectasia; Immunodeficiency with ataxia telangiectasia; Ataxia-telangiectasia, complementation group E; Ataxia-telangiectasia, complementation group D. Identifiers: Orphanet 100, MedGen C0004135, MONDO:0008840, OMIM 208900.

Allele frequency attached by ClinVar (database versions not stated): gnomAD 0.00021; ExAC 0.00009; ESP Exome Variant Server 0.00023; gnomAD exomes 0.00006; TOPMed 0.00030.
gnomAD v4.1: 76 of 1,614,002 alleles (0.0047%); highest among the groups gnomAD compares: African/African-American, 0.069%; no homozygotes.

Submissions (12):

Ambry Genetics
Classification: Uncertain significance for Hereditary cancer-predisposing syndrome. Last evaluated: 2026-05-21. Review status: criteria provided, single submitter. Criteria: Ambry Variant Classification Scheme 2023. Collection method: clinical testing. Allele origin: germline.
Comment: The p.H1624R variant (also known as c.4871A>G), located in coding exon 31 of the ATM gene, results from an A to G substitution at nucleotide position 4871. The histidine at codon 1624 is replaced by arginine, an amino acid with highly similar properties. This variant was identified in 6/3,579 African males diagnosed with prostate cancer who underwent multi-gene panel testing of 19 DNA repair and cancer predisposition genes (Matejcic M et al. JCO Precis Oncol, 2020 Jan;4:32-43). In an assay testing ATM function, this variant showed a functionally normal result (Lee KS et al. Cell, 2025 Sep;188:5081-5099.e27). This amino acid position is well conserved in available vertebrate species. In addition, this alteration is predicted to be tolerated by in silico analysis. Based on the available evidence, the clinical significance of this variant remains unclear.

Labcorp Genetics (formerly Invitae), Labcorp
Classification: Likely benign for Ataxia-telangiectasia syndrome. Last evaluated: 2026-01-31. Review status: criteria provided, single submitter. Criteria: Invitae Variant Classification Sherloc (09022015). Collection method: clinical testing. Allele origin: germline.

Mayo Clinic Laboratories, Mayo Clinic
Classification: Likely benign. Last evaluated: 2025-02-25. Review status: criteria provided, single submitter. Criteria: ACMG Guidelines, 2015. Collection method: clinical testing. Allele origin: germline. Observed: 1 variant allele.
Comment: BS2, BP4_moderate

Color Diagnostics, LLC DBA Color Health
Classification: Likely benign for Hereditary cancer-predisposing syndrome. Last evaluated: 2024-10-09. Review status: criteria provided, single submitter. Criteria: ACMG Guidelines, 2015. Collection method: clinical testing. Allele origin: germline.

GeneDx
Classification: Uncertain significance. Last evaluated: 2024-09-17. Review status: criteria provided, single submitter. Criteria: GeneDx Variant Classification Process June 2021. Collection method: clinical testing. Allele origin: germline. Affected: yes.
Comment: In silico analysis supports that this missense variant does not alter protein structure/function; Observed in individuals with breast, prostate, and other cancers (PMID: 26689913, 29684080, 31206626, 33471991, 34250417, 35666082, 32832836); In silico analysis suggests this variant may impact gene splicing. In the absence of RNA/functional studies, the actual effect of this sequence change is unknown.; This variant is associated with the following publications: (PMID: 26214590, 22529920, 19781682, 26689913, 11443540, 28652578, 29684080, 33471991, 31206626, 35666082, 34250417, 32832836)

Quest Diagnostics Nichols Institute San Juan Capistrano
Classification: Uncertain significance. Last evaluated: 2024-08-26. Review status: criteria provided, single submitter. Criteria: Quest Diagnostics criteria. Collection method: clinical testing. Allele origin: unknown.

Women's Health and Genetics/Laboratory Corporation of America, LabCorp
Classification: Uncertain significance. Last evaluated: 2024-06-17. Review status: criteria provided, single submitter. Criteria: LabCorp Variant Classification Summary - May 2015. Collection method: clinical testing. Allele origin: germline.
Comment: Variant summary: ATM c.4871A>G (p.His1624Arg) results in a non-conservative amino acid change in the encoded protein sequence. Three of five in-silico tools predict a benign effect of the variant on protein function. The variant allele was found at a frequency of 6e-05 in 251378 control chromosomes, predominantly at a frequency of 0.00062 within the African or African-American subpopulation in the gnomAD database. This frequency is not significantly higher than estimated for a pathogenic variant in ATM causing Ataxia-Telangiectasia (6e-05 vs 0.004), allowing no conclusion about variant significance. c.4871A>G has been reported in the literature in individuals affected with breast/ovarian cancer or undertaking colorectal/prostate cancer panel testing without strong evidence for causality (examples: Weitzel_2019, Dorling_2021, Giri_2022, Pearlman_2021). The variant has also been reported in controls (examples: Tavtigian_2009, Tiao_2017, Dorling_2021). To our knowledge, no experimental evidence demonstrating an impact on protein function has been reported. The following publications have been ascertained in the context of this evaluation (PMID: 11443540, 19781682, 22529920, 26689913, 26214590, 28652578, 31206626, 33471991, 35666082, 34250417). ClinVar contains an entry for this variant (Variation ID: 135757). Based on the evidence outlined above, the variant was classified as uncertain significance.

Myriad Genetics, Inc.
Classification: Likely benign for Familial cancer of breast. Last evaluated: 2024-05-21. Review status: criteria provided, single submitter. Criteria: Myriad Autosomal Dominant, Autosomal Recessive and X-Linked Classification Criteria (2023). Collection method: clinical testing. Allele origin: unknown.
Comment: This variant is considered likely benign. This variant is strongly associated with less severe personal and family histories of cancer, typical for individuals without pathogenic variants in this gene [PMID: 25085752].

Sema4
Classification: Uncertain significance for Hereditary cancer-predisposing syndrome. Last evaluated: 2021-08-11. Review status: criteria provided, single submitter. Criteria: Sema4 Curation Guidelines. Collection method: curation. Allele origin: germline.
Comment: The ATM c.4871A>G (p.H1624R) variant has been reported in at least one individual with breast cancer (PMID: 33471991). It was observed in 17/24970 chromosomes, with no homozygotes, of the African/African American subpopulation in the large and broad cohorts of the Genome Aggregation Database (PMID: 32461654). The variant has been reported in ClinVar (Variation ID 135757). In silico tools suggest the impact of the variant on protein function is benign, though these predictions have not been confirmed by functional studies. There is no indication that this variant causes disease, but the evidence is insufficient currently to prove that conclusively. Thus, the clinical significance of this variant is currently uncertain.

Dipartimento Di Medicina Di Precisione, Università Degli Studi Della Campania Luigi Vanvitelli
Classification: Likely benign for Breast-ovarian cancer, familial, susceptibility to, 2. Review status: criteria provided, single submitter. Criteria: ACMG Guidelines, 2015. Collection method: clinical testing. Allele origin: germline. Inheritance: Autosomal dominant inheritance. Affected: yes. Observed: 1 heterozygote.
Comment: The missense variant c.4871A>G (p.His1624Arg) in ATM, located in exon 31, results in the substitution of a moderately conserved histidine residue. This variant was initially classified as a VUS. However, based on in silico predictions (e.g., REVEL, CADD) suggesting a tolerated impact on protein function, and according to data reported in the publication "Expanding the Genomic Landscape of HBOC and Cancer Risk Among Mutation Carriers", this variant has been reclassified as likely benign following ACMG/AMP guidelines (BP4, BS1).

PreventionGenetics, part of Exact Sciences
Classification: Uncertain significance for ATM-related condition. Last evaluated: 2024-02-15. Review status: no assertion criteria provided. Collection method: clinical testing. Allele origin: germline. Not counted in ClinVar's aggregate classification.
Comment: The ATM c.4871A>G variant is predicted to result in the amino acid substitution p.His1624Arg. This variant has been reported in patients with breast cancer (Table S3, Weitzel et al. 2019. PubMed ID: 31206626) as well as in controls without cancer (Thorstenson et al. 2001. PubMed ID 11443540; Table S2, Tavtigian et al. 2009. PubMed ID: 19781682). This variant has also been reported in a study of patients with Cowden syndrome and Bannayan-Riley-Ruvalcaba syndrome patients without underlying germline PTEN mutations (Table S9, Yehia et al. 2018. PubMed ID: 29684080). This variant is reported in 0.068% of alleles in individuals of African descent in gnomAD and is has conflicting interpretations of likely benign and uncertain in ClinVar (. At this time, the clinical significance of this variant is uncertain due to the absence of conclusive functional and genetic evidence.

Natera, Inc.
Classification: Uncertain significance for Ataxia-telangiectasia. Last evaluated: 2020-09-16. Review status: no assertion criteria provided. Collection method: clinical testing. Allele origin: germline. Not counted in ClinVar's aggregate classification.

Literature cited by the submitters: PubMed 19781682 (cited by 3 submitters); PubMed 26689913 (cited by 3 submitters); PubMed 28652578 (cited by 3 submitters); PubMed 29684080 (cited by Ambry Genetics and Quest Diagnostics Nichols Institute San Juan Capistrano); PubMed 32832836 (cited by Ambry Genetics and Quest Diagnostics Nichols Institute San Juan Capistrano); PubMed 33471991 (cited by 4 submitters); PubMed 40580951 (cited by Ambry Genetics); PubMed 26214590 (cited by Quest Diagnostics Nichols Institute San Juan Capistrano and Women's Health and Genetics/Laboratory Corporation of America, LabCorp); PubMed 11443540 (cited by Quest Diagnostics Nichols Institute San Juan Capistrano and Women's Health and Genetics/Laboratory Corporation of America, LabCorp); PubMed 35666082 (cited by Quest Diagnostics Nichols Institute San Juan Capistrano and Women's Health and Genetics/Laboratory Corporation of America, LabCorp); PubMed 31206626 (cited by Quest Diagnostics Nichols Institute San Juan Capistrano and Women's Health and Genetics/Laboratory Corporation of America, LabCorp); PubMed 22529920 (cited by Quest Diagnostics Nichols Institute San Juan Capistrano and Women's Health and Genetics/Laboratory Corporation of America, LabCorp); PubMed 34250417 (cited by Quest Diagnostics Nichols Institute San Juan Capistrano and Women's Health and Genetics/Laboratory Corporation of America, LabCorp); PubMed 25085752 (cited by Myriad Genetics, Inc.); DOI 10.1515/cclm-2012-0154 (cited by Dipartimento Di Medicina Di Precisione, Università Degli Studi Della Campania Luigi Vanvitelli).